The following is an entry in ClinVar:

ClinVar aggregate classification (germline): Benign/Likely benign. Review status: criteria provided, multiple submitters, no conflicts (2 of 4 stars). 6 submissions from 6 submitters: Benign (2); Likely benign (4). Last evaluated 2025-12-30.

Conditions:
Collagen 6-related myopathy. Identifiers: MedGen CN117976, MONDO:0100225.
Bethlem myopathy 1A. Also called: Bethlem myopathy 1; Bethlem Muscular Dystrophy; MYOPATHY, BENIGN CONGENITAL, WITH CONTRACTURES. Identifiers: Orphanet 610, MedGen CN029274, MONDO:0024530, OMIM 158810.

Allele frequency attached by ClinVar (database versions not stated): gnomAD exomes 0.00020 and 0.00047; ExAC 0.00068; gnomAD 0.00188 and 0.00202; TOPMed 0.00199; 1000 Genomes Project 0.00220; ESP Exome Variant Server 0.00262; 1000 Genomes Project 30x 0.00265.
gnomAD v4.1: 584 of 1,612,582 alleles (0.036%); highest among the groups gnomAD compares: African/African-American, 0.7%; 4 homozygotes.

Submissions (6):

Labcorp Genetics (formerly Invitae), Labcorp
Classification: Benign for Bethlem myopathy 1A. Last evaluated: 2025-12-30. Review status: criteria provided, single submitter. Criteria: Invitae Variant Classification Sherloc (09022015). Collection method: clinical testing. Allele origin: germline.

CeGaT Center for Human Genetics Tuebingen
Classification: Likely benign. Last evaluated: 2024-08-01. Review status: criteria provided, single submitter. Criteria: CeGaT Center For Human Genetics Tuebingen Variant Classification Criteria Version 2. Collection method: clinical testing. Allele origin: germline. Affected: yes. Observed: 2 variant alleles.
Comment: COL6A2: BP4, BP7

GeneDx
Classification: Likely benign. Last evaluated: 2020-12-14. Review status: criteria provided, single submitter. Criteria: GeneDx Variant Classification Process June 2021. Collection method: clinical testing. Allele origin: germline. Affected: yes.

Illumina Laboratory Services, Illumina
Classification: Benign for Collagen VI-related myopathy. Last evaluated: 2018-01-13. Review status: criteria provided, single submitter. Criteria: ICSL Variant Classification Criteria 13 December 2019. Collection method: clinical testing. Allele origin: germline.
Comment: This variant was observed in the ICSL laboratory as part of a predisposition screen in an ostensibly healthy population. It had not been previously curated by ICSL or reported in the Human Gene Mutation Database (HGMD: prior to June 1st, 2018), and was therefore a candidate for classification through an automated scoring system. Utilizing variant allele frequency, disease prevalence and penetrance estimates, and inheritance mode, an automated score was calculated to assess if this variant is too frequent to cause the disease. Based on the score and internal cut-off values, a variant classified as benign is not then subjected to further curation. The score for this variant resulted in a classification of benign for this disease.

Eurofins Ntd Llc (ga)
Classification: Likely benign. Last evaluated: 2016-09-06. Review status: criteria provided, single submitter. Criteria: EGL Classification Definitions 2015. Collection method: clinical testing. Allele origin: germline. Observed: 1 variant allele, 1 heterozygote.

Breakthrough Genomics
Classification: Likely benign. Review status: criteria provided, single submitter. Criteria: ACMG Guidelines, 2015. Collection method: not provided. Allele origin: germline. Inheritance: Autosomal recessive inheritance. Affected: yes.

NM_001849.4(COL6A2):c.1140C>T (p.Arg380=)

Gene: COL6A2 (collagen type VI alpha 2 chain; plus strand). Cytogenetic location: 21q22.3.
Variant type: single nucleotide variant.
Coding change: c.1140C>T on transcript NM_001849.4 (MANE Select); coding-DNA position 1140, C replaced by T.
Protein change: p.Arg380=; no amino-acid change (arginine 380 retained).
Molecular consequence: synonymous variant.
Genome position (GRCh38, 1-based): chr21:46,118,637, C>T. VCF-style: chr21-46118637-C-T. GRCh37 (hg19) VCF-style: chr21-47538551-C-T.
Other names: c.1140C>T, p.Arg380= (NM_058174.3, NM_058175.3).
Identifiers: ClinVar variation 290721 (VCV000290721.68), dbSNP rs144482400, ClinGen allele CA10071719.
Genomic context (GRCh38, chr21:46,118,637, plus strand): 5'-CCAAAAGACGTGAGGCTGATTCTGCAAACCCTTCCAGGGGGACCCTGGCCGCCCAGGACG[C>T]AGAGGGCCCCCGGGAGAAATCGGGGCCAAGGGAAGCAAGGTGAGCCCCTCTGCCTCTTCG-3'
Protein context (NP_001840.3, residues 370-390): GGKGDPGRPG[Arg380=]RGPPGEIGAK